The following is an entry in ClinVar:

NM_001036.6(RYR3):c.4723C>T (p.Arg1575Cys)

Gene: RYR3 (ryanodine receptor 3; plus strand). Cytogenetic location: 15q14.
Variant type: single nucleotide variant.
Coding change: c.4723C>T on transcript NM_001036.6 (MANE Select); coding-DNA position 4723, C replaced by T.
Protein change: p.Arg1575Cys; replaces arginine 1575 with cysteine.
Molecular consequence: missense variant.
Genome position (GRCh38, 1-based): chr15:33,662,253, C>T. VCF-style: chr15-33662253-C-T. GRCh37 (hg19) VCF-style: chr15-33954454-C-T.
Other names: c.4723C>T, p.Arg1575Cys (NM_001243996.4); c.4723C>T (NM_001036.3); short protein forms R1575C.
Identifiers: ClinVar variation 853904 (VCV000853904.8), dbSNP rs1417583973, ClinGen allele CA391568750.

ClinVar aggregate classification (germline): Uncertain significance. Review status: criteria provided, multiple submitters, no conflicts (2 of 4 stars). 2 submissions from 2 submitters: Uncertain significance (2). Last evaluated 2025-05-14.

Conditions:
Epileptic encephalopathy. Identifiers: MedGen C0543888, HP:0200134.

Allele frequency attached by ClinVar (database versions not stated): gnomAD 0.00002; gnomAD exomes below 0.00001; TOPMed 0.00002.
gnomAD v4.1: 11 of 1,609,808 alleles (0.00068%); highest among the groups gnomAD compares: Admixed American, 0.0017%; no homozygotes.

Submissions (2):

Ambry Genetics
Classification: Uncertain significance. Last evaluated: 2025-05-14. Review status: criteria provided, single submitter. Criteria: Ambry Variant Classification Scheme 2023. Collection method: clinical testing. Allele origin: germline.

Labcorp Genetics (formerly Invitae), Labcorp
Classification: Uncertain significance for Epileptic encephalopathy. Last evaluated: 2022-02-04. Review status: criteria provided, single submitter. Criteria: Invitae Variant Classification Sherloc (09022015). Collection method: clinical testing. Allele origin: germline.
Comment: This sequence change replaces arginine, which is basic and polar, with cysteine, which is neutral and slightly polar, at codon 1575 of the RYR3 protein (p.Arg1575Cys). The frequency data for this variant in the population databases is considered unreliable, as metrics indicate poor data quality at this position in the gnomAD database. This variant has not been reported in the literature in individuals affected with RYR3-related conditions. ClinVar contains an entry for this variant (Variation ID: 853904). Algorithms developed to predict the effect of missense changes on protein structure and function (SIFT, PolyPhen-2, Align-GVGD) all suggest that this variant is likely to be disruptive. In summary, the available evidence is currently insufficient to determine the role of this variant in disease. Therefore, it has been classified as a Variant of Uncertain Significance.